The following is an entry in ClinVar:

NM_001394372.1(BICRA):c.3493-3C>T

Genes: BICRA (BRD4 interacting chromatin remodeling complex associated protein; plus strand), LOC121627883 (Sharpr-MPRA regulatory region 9389; plus strand). Cytogenetic location: 19q13.33.
Variant type: single nucleotide variant.
Coding change: c.3493-3C>T on transcript NM_001394372.1 (MANE Select); 3 bases into the intron before coding-DNA position 3493, C replaced by T.
Molecular consequence: intron variant.
Genome position (GRCh38, 1-based): chr19:47,699,300, C>T. VCF-style: chr19-47699300-C-T. GRCh37 (hg19) VCF-style: chr19-48202557-C-T.
Other names: c.3493-3C>T (NM_015711.3).
Identifiers: ClinVar variation 3133913 (VCV003133913.1), dbSNP rs769672161, ClinGen allele CA9542259.

ClinVar aggregate classification (germline): Uncertain significance (1 of 4 stars; one submission).

Allele frequency attached by ClinVar (database versions not stated): gnomAD exomes below 0.00001; TOPMed 0.00002; ExAC 0.00004; gnomAD 0.00005.
gnomAD v4.1: 13 of 1,542,712 alleles (0.00084%); highest among the groups gnomAD compares: African/African-American, 0.016%; no homozygotes.

Submission:

Ambry Genetics
Classification: Uncertain significance. Last evaluated: 2022-08-22. Review status: criteria provided, single submitter. Criteria: Ambry Variant Classification Scheme 2023. Collection method: clinical testing. Allele origin: germline.
Comment: The c.3493-3C>T intronic alteration consists of a C to T substitution 3 nucleotides before exon 14 (coding exon 12) of the GLTSCR1 gene. Based on insufficient or conflicting evidence, the clinical significance of this alteration remains unclear.